The following is an entry in ClinVar:

NM_001384474.1(LOXHD1):c.2815A>T (p.Lys939Ter)

Gene: LOXHD1 (lipoxygenase homology PLAT domains 1; minus strand). Cytogenetic location: 18q21.1.
Variant type: single nucleotide variant.
Coding change: c.2815A>T on transcript NM_001384474.1 (MANE Select); coding-DNA position 2815, A replaced by T.
Protein change: p.Lys939Ter; replaces lysine 939 with a stop codon.
Molecular consequence: nonsense.
Genome position (GRCh38, 1-based): chr18:46,560,329, T>A on the plus strand (A>T on the coding strand, the complement: LOXHD1 is on the minus strand). VCF-style: chr18-46560329-T-A. GRCh37 (hg19) VCF-style: chr18-44140292-T-A.
Other names: c.2815A>T, p.Lys939Ter (NM_144612.7); short protein forms K939*.
Identifiers: ClinVar variation 2836200 (VCV002836200.3), dbSNP rs2511831921, ClinGen allele CA402371157.

ClinVar aggregate classification (germline): Pathogenic (1 of 4 stars; one submission).

Submission:

Labcorp Genetics (formerly Invitae), Labcorp
Classification: Pathogenic. Last evaluated: 2023-02-11. Review status: criteria provided, single submitter. Criteria: Invitae Variant Classification Sherloc (09022015). Collection method: clinical testing. Allele origin: germline.
Comment: For these reasons, this variant has been classified as Pathogenic. This variant has not been reported in the literature in individuals affected with LOXHD1-related conditions. This variant is not present in population databases (gnomAD no frequency). This sequence change creates a premature translational stop signal (p.Lys939*) in the LOXHD1 gene. It is expected to result in an absent or disrupted protein product. Loss-of-function variants in LOXHD1 are known to be pathogenic (PMID: 19732867, 21465660, 25792669).

Literature cited by the submitters: PubMed 19732867; PubMed 21465660; PubMed 25792669.